The following is an entry in ClinVar:

NM_031407.7(HUWE1):c.3537A>T (p.Lys1179Asn)

Gene: HUWE1 (HECT, UBA and WWE domain containing E3 ubiquitin protein ligase 1; minus strand). Cytogenetic location: Xp11.22.
Variant type: single nucleotide variant.
Coding change: c.3537A>T on transcript NM_031407.7 (MANE Select); coding-DNA position 3537, A replaced by T.
Protein change: p.Lys1179Asn; replaces lysine 1179 with asparagine.
Molecular consequence: missense variant.
Genome position (GRCh38, 1-based): chrX:53,593,568, T>A on the plus strand (A>T on the coding strand, the complement: HUWE1 is on the minus strand). VCF-style: chrX-53593568-T-A. GRCh37 (hg19) VCF-style: chrX-53620528-T-A.
Other names: c.3537A>T, p.Lys1179Asn (NM_001441048.1, NM_001441049.1, NM_001441051.1 and 6 more transcripts); c.3558A>T, p.Lys1186Asn (NM_001441050.1, NM_001441055.1); short protein forms K1179N, K1186N.
Identifiers: ClinVar variation 4278769 (VCV004278769.2).

ClinVar aggregate classification (germline): Uncertain significance (1 of 4 stars; one submission).

gnomAD v4.1: 1 of 1,209,228 alleles (0.000083%); highest among the groups gnomAD compares: Non-Finnish European, 0.00011%; no homozygotes.

Submission:

GeneDx
Classification: Uncertain significance. Last evaluated: 2025-12-04. Review status: criteria provided, single submitter. Criteria: GeneDx Variant Classification Process June 2021. Collection method: clinical testing. Allele origin: germline.
Comment: Not observed at significant frequency in large population cohorts (gnomAD); In silico analysis suggests that this missense variant does not alter protein structure/function; Has not been previously published as pathogenic or benign to our knowledge